The following is an entry in ClinVar:

ClinVar aggregate classification (germline): Uncertain significance (1 of 4 stars; one submission).

Conditions:
Brody myopathy. Also called: BRODY DISEASE. Identifiers: Orphanet 53347, MedGen C1832918, MONDO:0010977, OMIM 601003.

gnomAD v4.1: 4 of 1,614,248 alleles (0.00025%); highest among the groups gnomAD compares: Admixed American, 0.0067%; no homozygotes.

Submission:

Labcorp Genetics (formerly Invitae), Labcorp
Classification: Uncertain significance for Brody myopathy. Last evaluated: 2025-09-16. Review status: criteria provided, single submitter. Criteria: Invitae Variant Classification Sherloc (09022015). Collection method: clinical testing. Allele origin: germline.
Comment: This sequence change replaces isoleucine, which is neutral and non-polar, with valine, which is neutral and non-polar, at codon 718 of the ATP2A1 protein (p.Ile718Val). This variant is present in population databases (no rsID available, gnomAD 0.01%). This variant has not been reported in the literature in individuals affected with ATP2A1-related conditions. An algorithm developed to predict the effect of missense changes on protein structure and function (PolyPhen-2) suggests that this variant is likely to be disruptive. In summary, the available evidence is currently insufficient to determine the role of this variant in disease. Therefore, it has been classified as a Variant of Uncertain Significance.

NM_004320.6(ATP2A1):c.2152A>G (p.Ile718Val)

Gene: ATP2A1 (ATPase sarcoplasmic/endoplasmic reticulum Ca2+ transporting 1; plus strand). Cytogenetic location: 16p11.2.
Variant type: single nucleotide variant.
Coding change: c.2152A>G on transcript NM_004320.6 (MANE Select); coding-DNA position 2152, A replaced by G.
Protein change: p.Ile718Val; replaces isoleucine 718 with valine.
Molecular consequence: missense variant.
Genome position (GRCh38, 1-based): chr16:28,901,914, A>G. VCF-style: chr16-28901914-A-G. GRCh37 (hg19) VCF-style: chr16-28913235-A-G.
Other names: c.1777A>G, p.Ile593Val (NM_001286075.2); c.2152A>G, p.Ile718Val (NM_173201.5); short protein forms I593V, I718V.
Identifiers: ClinVar variation 4803500 (VCV004803500.1).